The following is an entry in ClinVar:

ClinVar aggregate classification (germline): Uncertain significance (1 of 4 stars; one submission).

Conditions:
Hereditary cancer-predisposing syndrome. Also called: Neoplastic Syndromes, Hereditary; Tumor predisposition; Hereditary Cancer Syndrome; Hereditary neoplastic syndrome. Identifiers: Orphanet 140162, MedGen C0027672, MeSH D009386, MONDO:0015356.

Submission:

Ambry Genetics
Classification: Uncertain significance for Hereditary cancer-predisposing syndrome. Last evaluated: 2026-03-13. Review status: criteria provided, single submitter. Criteria: Ambry Variant Classification Scheme 2023. Collection method: clinical testing. Allele origin: germline.
Comment: The p.G748S variant (also known as c.2242G>A), located in coding exon 12 of the RET gene, results from a G to A substitution at nucleotide position 2242. The glycine at codon 748 is replaced by serine, an amino acid with similar properties. This amino acid position is conserved. In addition, this alteration is predicted to be deleterious by in silico analysis. Based on the available evidence, the clinical significance of this variant remains unclear.

NM_020975.6(RET):c.2242G>A (p.Gly748Ser)

Gene: RET (ret proto-oncogene; plus strand). Cytogenetic location: 10q11.21.
Variant type: single nucleotide variant.
Coding change: c.2242G>A on transcript NM_020975.6 (MANE Select); coding-DNA position 2242, G replaced by A.
Protein change: p.Gly748Ser; replaces glycine 748 with serine.
Molecular consequence: missense variant.
Genome position (GRCh38, 1-based): chr10:43,116,689, G>A. VCF-style: chr10-43116689-G-A. GRCh37 (hg19) VCF-style: chr10-43612137-G-A.
Other names: c.1516G>A, p.Gly506Ser (NM_001406775.1, NM_001406776.1, NM_001406777.1 and 1 more transcripts); c.1345G>A, p.Gly449Ser (NM_001406779.1, NM_001406780.1, NM_001406781.1 and 1 more transcripts); c.1216G>A, p.Gly406Ser (NM_001406783.1, NM_001406786.1); c.1252G>A, p.Gly418Ser (NM_001406784.1); c.1480G>A, p.Gly494Ser (NM_001355216.2); c.2242G>A, p.Gly748Ser (NM_001406743.1, NM_001406744.1, NM_001406759.1 and 2 more transcripts); c.2113G>A, p.Gly705Ser (NM_001406761.1, NM_001406762.1, NM_001406764.1); c.2107G>A, p.Gly703Ser (NM_001406763.1, NM_001406765.1); and 10 more; short protein forms G353S, G494S, G506S, G573S, G313S, G406S, G418S, G449S.
Identifiers: ClinVar variation 4827664 (VCV004827664.1).